The following is an entry in ClinVar:

ClinVar aggregate classification (germline): Conflicting classifications of pathogenicity. Review status: criteria provided, conflicting classifications (1 of 4 stars). 5 submissions from 5 submitters: Uncertain significance (2); Likely benign (2). 1 of the submissions does not count toward it. Last evaluated 2026-01-26.

Conditions:
GLDC-related disorder. Also called: GLDC-related condition.
Glycine encephalopathy. Also called: Nonketotic hyperglycinemia; Non-ketotic hyperglycinemia. Identifiers: Orphanet 407, MedGen C0751748, MONDO:0011612, HP:0008288.

Allele frequency attached by ClinVar (database versions not stated): gnomAD exomes 0.00011 and 0.00037; ExAC 0.00047; gnomAD 0.00124 and 0.00127; ESP Exome Variant Server 0.00146; TOPMed 0.00156; 1000 Genomes Project 30x 0.00172; 1000 Genomes Project 0.00180.
gnomAD v4.1: 367 of 1,613,560 alleles (0.023%); highest among the groups gnomAD compares: African/African-American, 0.42%; 1 homozygote.

Submissions (5):

Labcorp Genetics (formerly Invitae), Labcorp
Classification: Likely benign for Glycine encephalopathy. Last evaluated: 2026-01-26. Review status: criteria provided, single submitter. Criteria: Invitae Variant Classification Sherloc (09022015). Collection method: clinical testing. Allele origin: germline.

Mayo Clinic Laboratories, Mayo Clinic
Classification: Uncertain significance. Last evaluated: 2024-07-17. Review status: criteria provided, single submitter. Criteria: ACMG Guidelines, 2015. Collection method: clinical testing. Allele origin: germline. Observed: 2 variant alleles.
Comment: BS1

GeneDx
Classification: Likely benign. Last evaluated: 2021-03-29. Review status: criteria provided, single submitter. Criteria: GeneDx Variant Classification Process June 2021. Collection method: clinical testing. Allele origin: germline. Affected: yes.

Athena Diagnostics
Classification: Uncertain significance. Last evaluated: 2019-11-05. Review status: criteria provided, single submitter. Criteria: Athena Diagnostics Criteria. Collection method: clinical testing. Allele origin: unknown.

PreventionGenetics, part of Exact Sciences
Classification: Likely benign for GLDC-related condition. Last evaluated: 2022-02-23. Review status: no assertion criteria provided. Collection method: clinical testing. Allele origin: germline. Not counted in ClinVar's aggregate classification.
Comment: This variant is classified as likely benign based on ACMG/AMP sequence variant interpretation guidelines (Richards et al. 2015 PMID: 25741868, with internal and published modifications).

NM_000170.3(GLDC):c.1618A>C (p.Lys540Gln)

Gene: GLDC (glycine decarboxylase; minus strand). Cytogenetic location: 9p24.1.
Variant type: single nucleotide variant.
Coding change: c.1618A>C on transcript NM_000170.3 (MANE Select); coding-DNA position 1618, A replaced by C.
Protein change: p.Lys540Gln; replaces lysine 540 with glutamine.
Molecular consequence: missense variant.
Genome position (GRCh38, 1-based): chr9:6,588,665, T>G on the plus strand (A>C on the coding strand, the complement: GLDC is on the minus strand). VCF-style: chr9-6588665-T-G. GRCh37 (hg19) VCF-style: chr9-6588665-T-G.
Other names: p.Lys540Gln; short protein forms K540Q.
Identifiers: ClinVar variation 462857 (VCV000462857.23), dbSNP rs140516872, ClinGen allele CA4980610.
Genomic context (GRCh38, chr9:6,588,665, plus strand): 5'-CACAAATAACTACCAGTGGAATCATGCTGTGAACAAGGGAAATGTCTTTATTTTCCAGTT[T>G]CTTCATGTACCGGACAATGTTTGTTTCAGAGTGGTAGCTGTGAACACAAAACACAGAATT-3'
Protein context (NP_000161.2, residues 530-550): SETNIVRYMK[Lys540Gln]LENKDISLVH